The following is an entry in ClinVar:

ClinVar aggregate classification (germline): Uncertain significance (1 of 4 stars; one submission).

Conditions:
Familial sleep-related hypermotor epilepsy. Also called: Autosomal Dominant Sleep-Related Hypermotor (Hyperkinetic) Epilepsy. Identifiers: Orphanet 98784, MedGen C3696898, MONDO:0000030.

Submission:

Labcorp Genetics (formerly Invitae), Labcorp
Classification: Uncertain significance. Last evaluated: 2023-08-18. Review status: criteria provided, single submitter. Criteria: Invitae Variant Classification Sherloc (09022015). Collection method: clinical testing. Allele origin: unknown.
Comment: This variant is a gross deletion of the genomic region encompassing exon(s) 1-5 of the CHRNA4 gene, which includes the initiator codon. This deletion extends beyond the assayed region for this gene and therefore may encompass additional genes. It is expected to result in an absent or disrupted protein product. However, the current clinical and genetic evidence is not sufficient to establish whether loss-of-function variants in CHRNA4 cause disease. This variant has not been reported in the literature in individuals affected with CHRNA4-related conditions. In summary, the available evidence is currently insufficient to determine the role of this variant in disease. Therefore, it has been classified as a Variant of Uncertain Significance.

NC_000020.10:g.(?_61980985)_(62046499_?)del

Genes: CHRNA4 (cholinergic receptor nicotinic alpha 4 subunit; minus strand), KCNQ2 (potassium voltage-gated channel subfamily Q member 2; minus strand). Cytogenetic location: 20q13.33.
Variant type: Deletion.
Identifiers: ClinVar variation 3248318 (VCV003248318.1).